The following is an entry in ClinVar:

ClinVar aggregate classification (germline): Likely pathogenic (1 of 4 stars; one submission).

Conditions:
Pontocerebellar hypoplasia type 6 (PCH6). Identifiers: Orphanet 166073, MedGen C1969084, MONDO:0012683, OMIM 611523.

Submission:

Natera, Inc.
Classification: Likely pathogenic for Pontocerebellar hypoplasia, type 6. Last evaluated: 2025-11-13. Review status: criteria provided, single submitter. Criteria: Natera Variant Classification Schema (03/2026). Collection method: clinical testing. Allele origin: germline.
Comment: The c.1048C>T variant in RARS2 is a nonsense variant predicted to introduce a stop codon at amino acid 350. This variant is expected to result in nonsense mediated decay, truncation, or a dysfunctional protein product. This variant is rare in the general population with a frequency below the threshold expected for the associated phenotype(s). Given the available evidence, this variant is classified as Likely Pathogenic.

NM_020320.5(RARS2):c.1048C>T (p.Gln350Ter)

Gene: RARS2 (arginyl-tRNA synthetase 2, mitochondrial; minus strand). Cytogenetic location: 6q15.
Variant type: single nucleotide variant.
Coding change: c.1048C>T on transcript NM_020320.5 (MANE Select); coding-DNA position 1048, C replaced by T.
Protein change: p.Gln350Ter; replaces glutamine 350 with a stop codon.
Molecular consequence: nonsense. On other transcripts: non-coding transcript variant (23).
Genome position (GRCh38, 1-based): chr6:87,520,244, G>A on the plus strand (C>T on the coding strand, the complement: RARS2 is on the minus strand). VCF-style: chr6-87520244-G-A. GRCh37 (hg19) VCF-style: chr6-88229962-G-A.
Other names: c.523C>T, p.Gln175Ter (NM_001318785.2, NM_001350506.2, NM_001350507.2 and 4 more transcripts); c.1048C>T, p.Gln350Ter (NM_001350505.2); short protein forms Q175*, Q350*.
Identifiers: ClinVar variation 4816044 (VCV004816044.1).